The following is an entry in ClinVar:

NM_198578.4(LRRK2):c.176A>G (p.Asn59Ser)

Gene: LRRK2 (leucine rich repeat kinase 2; plus strand). Cytogenetic location: 12q12.
Variant type: single nucleotide variant.
Coding change: c.176A>G on transcript NM_198578.4 (MANE Select); coding-DNA position 176, A replaced by G.
Protein change: p.Asn59Ser; replaces asparagine 59 with serine.
Molecular consequence: missense variant.
Genome position (GRCh38, 1-based): chr12:40,225,579, A>G. VCF-style: chr12-40225579-A-G. GRCh37 (hg19) VCF-style: chr12-40619381-A-G.
Other names: short protein forms N59S.
Identifiers: ClinVar variation 1779754 (VCV001779754.4), dbSNP rs1940831608, ClinGen allele CA384399079.

ClinVar aggregate classification (germline): Uncertain significance. Review status: criteria provided, multiple submitters, no conflicts (2 of 4 stars). 2 submissions from 2 submitters: Uncertain significance (2). Last evaluated 2024-10-27.

Conditions:
Autosomal dominant Parkinson disease 8. Also called: LRRK2-Related Parkinson Disease; Parkinson disease 8; Parkinson disease 8, susceptibility to. Identifiers: Orphanet 411602, MedGen C1846862, MONDO:0011764, OMIM 607060.
Inborn genetic diseases. Identifiers: MedGen C0950123, MeSH D030342.

Allele frequency attached by ClinVar (database versions not stated): TOPMed below 0.00001; gnomAD 0.00001.
gnomAD v4.1: 2 of 1,614,000 alleles (0.00012%); highest among the groups gnomAD compares: Non-Finnish European, 0.000085%; no homozygotes.

Submissions (2):

Labcorp Genetics (formerly Invitae), Labcorp
Classification: Uncertain significance for Autosomal dominant Parkinson disease 8. Last evaluated: 2024-10-27. Review status: criteria provided, single submitter. Criteria: Invitae Variant Classification Sherloc (09022015). Collection method: clinical testing. Allele origin: germline.
Comment: This sequence change replaces asparagine, which is neutral and polar, with serine, which is neutral and polar, at codon 59 of the LRRK2 protein (p.Asn59Ser). This variant is not present in population databases (gnomAD no frequency). This variant has not been reported in the literature in individuals affected with LRRK2-related conditions. ClinVar contains an entry for this variant (Variation ID: 1779754). An algorithm developed to predict the effect of missense changes on protein structure and function outputs the following: PolyPhen-2: "Benign". The serine amino acid residue is found in multiple mammalian species, which suggests that this missense change does not adversely affect protein function. In summary, the available evidence is currently insufficient to determine the role of this variant in disease. Therefore, it has been classified as a Variant of Uncertain Significance.

Ambry Genetics
Classification: Uncertain significance for Inborn genetic diseases. Last evaluated: 2021-12-13. Review status: criteria provided, single submitter. Criteria: Ambry Variant Classification Scheme 2023. Collection method: clinical testing. Allele origin: germline.
Comment: The p.N59S variant (also known as c.176A>G), located in coding exon 2 of the LRRK2 gene, results from an A to G substitution at nucleotide position 176. The asparagine at codon 59 is replaced by serine, an amino acid with highly similar properties. This amino acid position is conserved. In addition, this alteration is predicted to be tolerated by in silico analysis. Since supporting evidence is limited at this time, the clinical significance of this alteration remains unclear.